The following is an entry in ClinVar:

NC_012920.1(MT-CO3):m.9592T>C

Gene: MT-CO3 (mitochondrially encoded cytochrome c oxidase III; plus strand).
Variant type: single nucleotide variant.
Genome position: chrM-9592-T-C.
Identifiers: ClinVar variation 693189 (VCV000693189.1), dbSNP rs1603222390, ClinGen allele CA414803278.

ClinVar aggregate classification (germline): Likely benign (1 of 4 stars; one submission).

Conditions:
Leigh syndrome (NULS). Also called: Leigh's necrotizing encephalopathy; Leigh's disease; Leigh Syndrome (mtDNA deletion); Leigh Disease; Subacute necrotizing encephalopathy; Necrotizing encephalopathy infantile subacute of Leigh. Identifiers: Orphanet 506, MedGen C2931891, MONDO:0009723, OMIM 256000.

Submission:

Wong Mito Lab, Molecular and Human Genetics, Baylor College of Medicine
Classification: Likely benign for Leigh syndrome. Last evaluated: 2019-10-17. Review status: criteria provided, single submitter. Criteria: Modified ACMG Guidelines (Unpublished). Collection method: clinical testing. Allele origin: germline.
Comment: The NC_012920.1:m.9592T>C (YP_003024032.1:p.Val129Ala) variant in MTCO3 gene is interpretated to be a Likely Benign variant based on the modified ACMG guidelines (unpublished). This variant meets the following evidence codes: BP5, BP6